The following is an entry in ClinVar:

NM_000169.3(GLA):c.811_812delinsCTCA (p.Gly271fs)

Genes: GLA (galactosidase alpha; minus strand), RPL36A-HNRNPH2 (RPL36A-HNRNPH2 readthrough; plus strand). Cytogenetic location: Xq22.1.
Variant type: Indel.
Coding change: c.811_812delinsCTCA on transcript NM_000169.3 (MANE Select); coding-DNA positions 811 to 812, GG replaced by CTCA.
Protein change: p.Gly271fs; shifts the reading frame from glycine 271.
Molecular consequence: frameshift variant. On other transcripts: non-coding transcript variant (3), intron variant (2).
Genome position (GRCh38, 1-based): chrX:101,398,557-101,398,558, CC replaced by TGAG on the plus strand (GG replaced by CTCA on the coding strand, the reverse complement: GLA is on the minus strand). VCF-style: chrX-101398557-CC-TGAG. GRCh37 (hg19) VCF-style: chrX-100653545-CC-TGAG.
Other names: c.934_935delinsCTCA, p.Gly312fs (NM_001406747.1); c.811_812delinsCTCA, p.Gly271fs (NM_001406748.1); c.300+3100_300+3101delinsTGAG (NM_001199973.2); c.177+6735_177+6736delinsTGAG (NM_001199974.2); short protein forms G271fs, G312fs.
Identifiers: ClinVar variation 4087009 (VCV004087009.2).

ClinVar aggregate classification (germline): Pathogenic (1 of 4 stars; one submission).

Conditions:
Fabry disease. Also called: ALPHA-GALACTOSIDASE A DEFICIENCY; ANDERSON-FABRY DISEASE; CERAMIDE TRIHEXOSIDASE DEFICIENCY; GLA DEFICIENCY; HEREDITARY DYSTOPIC LIPIDOSIS; Angiokeratoma corporis diffusum. Identifiers: Orphanet 324, MedGen C0002986, MONDO:0010526, OMIM 301500, HP:0001071. Disease mechanism: Fabry disease is due to inactivating mutations in the X-linked GLA gene resulting in deficiency of the enzyme Alpha Galactosidase-A., loss of function.

Submission:

Genomenon, Inc
Classification: Pathogenic for Fabry disease. Last evaluated: 2026-09-08. Review status: criteria provided, single submitter. Criteria: Genomenon Sequence Variant Interpretation Standards - Updated. Collection method: curation. Allele origin: germline. Affected: yes.
Comment: GLA p.Gly271LeufsTer12 (c.811_812delinsCTCA) is a frameshift variant that is predicted to introduce a premature termination codon and result in a truncated or absent protein product. This variant has been observed in at least one proband with clinical features consistent with Fabry disease (PMID:33915609). A de novo occurrence of this variant has been observed in at least one affected individual (PMID:33915609). Functional or patient cell studies have been reported (PMID:33915609). It is absent or not present at a significant frequency in gnomAD. In conclusion, we classify GLA p.Gly271LeufsTer12 (c.811_812delinsCTCA) as a pathogenic variant.

Literature cited by the submitters: PubMed 33915609.